The following is an entry in ClinVar:

ClinVar aggregate classification (germline): Pathogenic (1 of 4 stars; one submission).

Conditions:
Inborn genetic diseases. Identifiers: MedGen C0950123, MeSH D030342.

Submission:

Ambry Genetics
Classification: Pathogenic for Inborn genetic diseases. Last evaluated: 2022-08-24. Review status: criteria provided, single submitter. Criteria: Ambry Variant Classification Scheme 2023. Collection method: clinical testing. Allele origin: germline.
Comment: The c.676_679dupCCGC (p.L227Pfs*70) alteration, located in exon 6 (coding exon 5) of the MBOAT7 gene, consists of a duplication of CCGC at position 676, causing a translational frameshift with a predicted alternate stop codon after 70 amino acids. This alteration is expected to result in loss of function by premature protein truncation or nonsense-mediated mRNA decay. This variant was not reported in population-based cohorts in the Genome Aggregation Database (gnomAD). Based on the available evidence, this alteration is classified as pathogenic.

NM_024298.5(MBOAT7):c.676_679dup (p.Leu227fs)

Gene: MBOAT7 (membrane bound acylglycerophosphatidylinositol O-acyltransferase MBOAT7; minus strand). Cytogenetic location: 19q13.42.
Variant type: Microsatellite.
Coding change: c.676_679dup on transcript NM_024298.5 (MANE Select); coding-DNA positions 676 to 679, 4 bases duplicated (CCGC; older notation c.676_679dupCCGC).
Protein change: p.Leu227fs; shifts the reading frame from leucine 227.
Molecular consequence: frameshift variant.
Genome position (GRCh38, 1-based): chr19:54,180,948-54,180,951, GCGG duplicated on the plus strand (CCGC on the coding strand, the reverse complement: MBOAT7 is on the minus strand); duplicating any 4 consecutive bases within chr19:54,180,948-54,180,958 gives the same sequence; the c. name uses the placement nearest the transcript's 3' end. VCF-style (leftmost placement, unchanged base first): chr19-54180947-A-AGCGG. GRCh37 (hg19) VCF-style: chr19-54684664-A-AGCGG.
Other names: c.457_460dup, p.Leu154fs (NM_001146056.3, NM_001146083.3); c.676_679dup, p.Leu227fs (NM_001146082.3); short protein forms L227fs, L154fs.
Identifiers: ClinVar variation 2307148 (VCV002307148.2), dbSNP rs2515181224, ClinGen allele CA2580614975.